The following is an entry in ClinVar:

NM_001379081.2(FREM1):c.2141C>T (p.Thr714Met)

Gene: FREM1 (FRAS1 related extracellular matrix 1; minus strand). Cytogenetic location: 9p22.3.
Variant type: single nucleotide variant.
Coding change: c.2141C>T on transcript NM_001379081.2 (MANE Select); coding-DNA position 2141, C replaced by T.
Protein change: p.Thr714Met; replaces threonine 714 with methionine.
Molecular consequence: missense variant. On other transcripts: non-coding transcript variant (2).
Genome position (GRCh38, 1-based): chr9:14,824,053, G>A on the plus strand (C>T on the coding strand, the complement: FREM1 is on the minus strand). VCF-style: chr9-14824053-G-A. GRCh37 (hg19) VCF-style: chr9-14824051-G-A.
Other names: c.2141C>T, p.Thr714Met (NM_144966.7); short protein forms T714M.
Identifiers: ClinVar variation 3096747 (VCV003096747.2), dbSNP rs760243815, ClinGen allele CA4991025.

ClinVar aggregate classification (germline): Uncertain significance. Review status: criteria provided, multiple submitters, no conflicts (2 of 4 stars). 2 submissions from 2 submitters: Uncertain significance (2). Last evaluated 2024-12-26.

Conditions:
Inborn genetic diseases. Identifiers: MedGen C0950123, MeSH D030342.

Allele frequency attached by ClinVar (database versions not stated): ExAC 0.00002.
gnomAD v4.1: 38 of 1,593,090 alleles (0.0024%); highest among the groups gnomAD compares: Admixed American, 0.007%; no homozygotes.

Submissions (2):

GeneDx
Classification: Uncertain significance. Last evaluated: 2024-12-26. Review status: criteria provided, single submitter. Criteria: GeneDx Variant Classification Process June 2021. Collection method: clinical testing. Allele origin: germline. Affected: yes.
Comment: In silico analysis indicates that this missense variant does not alter protein structure/function; Has not been previously published as pathogenic or benign to our knowledge

Ambry Genetics
Classification: Uncertain significance for Inborn genetic diseases. Last evaluated: 2024-01-29. Review status: criteria provided, single submitter. Criteria: Ambry Variant Classification Scheme 2023. Collection method: clinical testing. Allele origin: germline.